The following is an entry in ClinVar:

ClinVar aggregate classification (germline): Pathogenic/Likely pathogenic. Review status: criteria provided, multiple submitters, no conflicts (2 of 4 stars). 3 submissions from 3 submitters: Pathogenic (2); Likely pathogenic (1). Last evaluated 2024-10-21.

Conditions:
Cardiovascular phenotype. Identifiers: MedGen CN230736.
Hereditary cancer-predisposing syndrome. Also called: Tumor predisposition; Hereditary Cancer Syndrome; Hereditary neoplastic syndrome; Neoplastic Syndromes, Hereditary. Identifiers: Orphanet 140162, MedGen C0027672, MeSH D009386, MONDO:0015356.
LZTR1-related disorder. Also called: LZTR1-related disorders; LZTR1-related condition.

Allele frequency attached by ClinVar (database versions not stated): gnomAD exomes below 0.00001.

Submissions (3):

Labcorp Genetics (formerly Invitae), Labcorp
Classification: Pathogenic. Last evaluated: 2024-10-21. Review status: criteria provided, single submitter. Criteria: Invitae Variant Classification Sherloc (09022015). Collection method: clinical testing. Allele origin: germline.
Comment: This sequence change creates a premature translational stop signal (p.Gln257*) in the LZTR1 gene. It is expected to result in an absent or disrupted protein product. Loss-of-function variants in LZTR1 are known to be pathogenic (PMID: 24362817, 25335493, 25480913, 25795793, 29469822, 30368668, 30442762, 30442766, 30481304, 30859559). This variant is not present in population databases (gnomAD no frequency). This variant has not been reported in the literature in individuals affected with LZTR1-related conditions. For these reasons, this variant has been classified as Pathogenic.

Blueprint Genetics
Classification: Likely pathogenic for LZTR1-related disorders. Last evaluated: 2024-03-19. Review status: criteria provided, single submitter. Criteria: ACMG Guidelines, 2015. Collection method: clinical testing. Allele origin: germline. Affected: yes. Observed: 1 variant allele.

Ambry Genetics
Classification: Pathogenic for Cardiovascular phenotype; Hereditary cancer-predisposing syndrome. Last evaluated: 2023-04-12. Review status: criteria provided, single submitter. Criteria: Ambry Variant Classification Scheme 2023. Collection method: clinical testing. Allele origin: germline.
Comment: The p.Q257* pathogenic mutation (also known as c.769C>T), located in coding exon 8 of the LZTR1 gene, results from a C to T substitution at nucleotide position 769. This changes the amino acid from a glutamine to a stop codon within coding exon 8. This alteration is expected to result in loss of function by premature protein truncation or nonsense-mediated mRNA decay. Loss-of-function variants in LZTR1 are related to an increased risk for schwannomas and autosomal recessive Noonan syndrome; however, such associations with autosomal dominant Noonan syndrome have not been observed (Piotrowski A et al. Nat Genet. 2014 Feb;46:182-7; Yamamoto GL et al. J Med Genet. 2015 Jun;52:413-21; Johnston JJ et al. Genet Med. 2018 10;20:1175-1185). Based on the supporting evidence, this variant is pathogenic for an increased risk of LZTR1-related schwannomatosis (SWN) and would be expected to cause autosomal recessive Noonan syndrome when present along with a second pathogenic or likely pathogenic variant on the other allele; however, the association of this alteration with autosomal dominant Noonan syndrome is unlikely.

Literature cited by the submitters: PubMed 24362817 (cited by Labcorp Genetics (formerly Invitae), Labcorp); PubMed 25335493 (cited by Labcorp Genetics (formerly Invitae), Labcorp); PubMed 25480913 (cited by Labcorp Genetics (formerly Invitae), Labcorp); PubMed 25795793 (cited by Labcorp Genetics (formerly Invitae), Labcorp); PubMed 29469822 (cited by Labcorp Genetics (formerly Invitae), Labcorp); PubMed 30368668 (cited by Labcorp Genetics (formerly Invitae), Labcorp); PubMed 30442762 (cited by Labcorp Genetics (formerly Invitae), Labcorp); PubMed 30442766 (cited by Labcorp Genetics (formerly Invitae), Labcorp); PubMed 30481304 (cited by Labcorp Genetics (formerly Invitae), Labcorp); PubMed 30859559 (cited by Labcorp Genetics (formerly Invitae), Labcorp).

NM_006767.4(LZTR1):c.769C>T (p.Gln257Ter)

Gene: LZTR1 (leucine zipper like post translational regulator 1; plus strand). Cytogenetic location: 22q11.21.
Variant type: single nucleotide variant.
Coding change: c.769C>T on transcript NM_006767.4 (MANE Select); coding-DNA position 769, C replaced by T.
Protein change: p.Gln257Ter; replaces glutamine 257 with a stop codon.
Molecular consequence: nonsense.
Genome position (GRCh38, 1-based): chr22:20,990,503, C>T. VCF-style: chr22-20990503-C-T. GRCh37 (hg19) VCF-style: chr22-21344792-C-T.
Other names: short protein forms Q257*.
Identifiers: ClinVar variation 3238337 (VCV003238337.4), dbSNP rs2518615889.
Genomic context (GRCh38, chr22:20,990,503, plus strand): 5'-CGGGACAAGATGTTTGTATTCTCTGGGCAAAGCGGAGCCAAAATAACCAACAACCTCTTC[C>T]AGTTTGAATTCAAGGACAAGACGTGAGTACTCTGGCCAGTGGGGTGGAGGGAGGACGGTC-3'